The following is an entry in ClinVar:

NM_001042492.3(NF1):c.4709A>G (p.Glu1570Gly)

Gene: NF1 (neurofibromin 1; plus strand). Cytogenetic location: 17q11.2.
Variant type: single nucleotide variant.
Coding change: c.4709A>G on transcript NM_001042492.3 (MANE Select); coding-DNA position 4709, A replaced by G.
Protein change: p.Glu1570Gly; replaces glutamic acid 1570 with glycine.
Molecular consequence: missense variant.
Genome position (GRCh38, 1-based): chr17:31,261,842, A>G. VCF-style: chr17-31261842-A-G. GRCh37 (hg19) VCF-style: chr17-29588860-A-G.
Other names: c.4646A>G, p.Glu1549Gly (NM_000267.4); short protein forms E1549G, E1570G.
Identifiers: ClinVar variation 3879024 (VCV003879024.1).

ClinVar aggregate classification (germline): Uncertain significance (1 of 4 stars; one submission).

Conditions:
Cardiovascular phenotype. Identifiers: MedGen CN230736.
Hereditary cancer-predisposing syndrome. Also called: Tumor predisposition; Neoplastic Syndromes, Hereditary; Hereditary Cancer Syndrome; Hereditary neoplastic syndrome. Identifiers: Orphanet 140162, MedGen C0027672, MeSH D009386, MONDO:0015356.

Submission:

Ambry Genetics
Classification: Uncertain significance for Cardiovascular phenotype; Hereditary cancer-predisposing syndrome. Last evaluated: 2024-12-26. Review status: criteria provided, single submitter. Criteria: Ambry Variant Classification Scheme 2023. Collection method: clinical testing. Allele origin: germline.
Comment: The p.E1549G variant (also known as c.4646A>G), located in coding exon 34 of the NF1 gene, results from an A to G substitution at nucleotide position 4646. The glutamic acid at codon 1549 is replaced by glycine, an amino acid with similar properties. This amino acid position is conserved. In addition, the in silico prediction for this alteration is inconclusive. Based on the available evidence, the clinical significance of this variant remains unclear.